The following is an entry in ClinVar:

ClinVar aggregate classification (germline): Uncertain significance (1 of 4 stars; one submission).

Conditions:
Hereditary cancer-predisposing syndrome. Also called: Tumor predisposition; Neoplastic Syndromes, Hereditary; Hereditary Cancer Syndrome; Hereditary neoplastic syndrome. Identifiers: Orphanet 140162, MedGen C0027672, MeSH D009386, MONDO:0015356.

Submission:

Ambry Genetics
Classification: Uncertain significance for Hereditary cancer-predisposing syndrome. Last evaluated: 2024-11-30. Review status: criteria provided, single submitter. Criteria: Ambry Variant Classification Scheme 2023. Collection method: clinical testing. Allele origin: germline.
Comment: The p.Q496R variant (also known as c.1487A>G), located in coding exon 10 of the FH gene, results from an A to G substitution at nucleotide position 1487. The glutamine at codon 496 is replaced by arginine, an amino acid with highly similar properties. This amino acid position is conserved. In addition, this alteration is predicted to be deleterious by in silico analysis. Based on the available evidence, the clinical significance of this variant remains unclear.

NM_000143.4(FH):c.1487A>G (p.Gln496Arg)

Gene: FH (fumarate hydratase; minus strand). Cytogenetic location: 1q43.
Variant type: single nucleotide variant.
Coding change: c.1487A>G on transcript NM_000143.4 (MANE Select); coding-DNA position 1487, A replaced by G.
Protein change: p.Gln496Arg; replaces glutamine 496 with arginine.
Molecular consequence: missense variant.
Genome position (GRCh38, 1-based): chr1:241,497,874, T>C on the plus strand (A>G on the coding strand, the complement: FH is on the minus strand). VCF-style: chr1-241497874-T-C. GRCh37 (hg19) VCF-style: chr1-241661174-T-C.
Other names: short protein forms Q496R.
Identifiers: ClinVar variation 3515120 (VCV003515120.1).